The following is an entry in ClinVar:

ClinVar aggregate classification (germline): Uncertain significance (1 of 4 stars; one submission).

Conditions:
Inborn genetic diseases. Identifiers: MedGen C0950123, MeSH D030342.

gnomAD v4.1: 2 of 1,613,906 alleles (0.00012%); highest among the groups gnomAD compares: South Asian, 0.0011%; no homozygotes.

Submission:

Ambry Genetics
Classification: Uncertain significance for Inborn genetic diseases. Last evaluated: 2026-02-15. Review status: criteria provided, single submitter. Criteria: Ambry Variant Classification Scheme 2023. Collection method: clinical testing. Allele origin: germline.
Comment: The p.P897L variant (also known as c.2690C>T), located in coding exon 21 of the BUB1B gene, results from a C to T substitution at nucleotide position 2690. The proline at codon 897 is replaced by leucine, an amino acid with similar properties. This amino acid position is conserved. In addition, this alteration is predicted to be tolerated by in silico analysis. Based on the available evidence, the clinical significance of this variant remains unclear.

NM_001211.6(BUB1B):c.2690C>T (p.Pro897Leu)

Genes: BUB1B (BUB1 mitotic checkpoint serine/threonine kinase B; plus strand), BUB1B-PAK6 (BUB1B-PAK6 readthrough; plus strand). Cytogenetic location: 15q15.1.
Variant type: single nucleotide variant.
Coding change: c.2690C>T on transcript NM_001211.6 (MANE Select); coding-DNA position 2690, C replaced by T.
Protein change: p.Pro897Leu; replaces proline 897 with leucine.
Molecular consequence: missense variant. On other transcripts: 5 prime UTR variant (2).
Genome position (GRCh38, 1-based): chr15:40,217,507, C>T. VCF-style: chr15-40217507-C-T. GRCh37 (hg19) VCF-style: chr15-40509708-C-T.
Other names: c.-361C>T (NM_001128628.3); c.-278C>T (NM_001128629.3); short protein forms P897L.
Identifiers: ClinVar variation 4824244 (VCV004824244.1).